The following is an entry in ClinVar:

NM_000552.5(VWF):c.2451T>A (p.His817Gln)

Gene: VWF (von Willebrand factor; minus strand). Cytogenetic location: 12p13.31.
Variant type: single nucleotide variant.
Coding change: c.2451T>A on transcript NM_000552.5 (MANE Select); coding-DNA position 2451, T replaced by A.
Protein change: p.His817Gln; replaces histidine 817 with glutamine.
Molecular consequence: missense variant.
Genome position (GRCh38, 1-based): chr12:6,036,483, A>T on the plus strand (T>A on the coding strand, the complement: VWF is on the minus strand). VCF-style: chr12-6036483-A-T. GRCh37 (hg19) VCF-style: chr12-6145649-A-T.
Other names: c.2451T>A (NM_000552.4); short protein forms H817Q.
Identifiers: ClinVar variation 100224 (VCV000100224.22), dbSNP rs57950734, ClinGen allele CA228345.

ClinVar aggregate classification (germline): Benign/Likely benign. Review status: criteria provided, multiple submitters, no conflicts (2 of 4 stars). 11 submissions from 9 submitters: Benign (8); Likely benign (1). 2 of the submissions do not count toward it. Last evaluated 2025-07-31.

Conditions:
von Willebrand disease type 2 (VWD2). Also called: VWD, TYPE 2; VON WILLEBRAND DISEASE, TYPE 2A/IIE; VON WILLEBRAND DISEASE, TYPE 2CB; VON WILLEBRAND DISEASE, TYPE II. Identifiers: Orphanet 166081, Orphanet 903, MedGen C1264040, MONDO:0013304, OMIM 613554.
von Willebrand disease type 1 (VWD1). Also called: VWD, TYPE 1; VON WILLEBRAND DISEASE, TYPE I. Identifiers: Orphanet 166078, Orphanet 903, MedGen C1264039, MONDO:0008668, OMIM 193400. Inheritance: autosomal recessive or autosomal dominant.
von Willebrand disease type 3 (VWD3). Also called: Type 3 Von Willebrand's disease; Type 3 VWD; Von Willebrand disease, severe form; V WD3; VON WILLEBRAND DISEASE, TYPE III. Identifiers: Orphanet 166096, MedGen C1264041, MONDO:0010191, OMIM 277480.
Hereditary von Willebrand disease. Identifiers: Orphanet 903, MedGen C5703318, MONDO:0019565. Inheritance: Autosomal recessive or Autosomal dominant.

Allele frequency attached by ClinVar (database versions not stated): gnomAD exomes 0.00308 and 0.00871; ExAC 0.01095; gnomAD 0.03355 and 0.03591; TOPMed 0.03782; ESP Exome Variant Server 0.03975; 1000 Genomes Project 0.04233; 1000 Genomes Project 30x 0.04747.
gnomAD v4.1: 9,774 of 1,613,052 alleles (0.61%); highest among the groups gnomAD compares: African/African-American, 11%; 488 homozygotes.

Submissions (11):

ARUP Laboratories, Molecular Genetics and Genomics, ARUP Laboratories
Classification: Benign. Last evaluated: 2025-07-31. Review status: criteria provided, single submitter. Criteria: ARUP Molecular Germline Variant Investigation Process 2024. Collection method: clinical testing. Allele origin: germline.

Quest Diagnostics Nichols Institute San Juan Capistrano
Classification: Benign. Last evaluated: 2022-05-09. Review status: criteria provided, single submitter. Criteria: Quest Diagnostics criteria. Collection method: clinical testing. Allele origin: unknown.

Fulgent Genetics
Classification: Benign for von Willebrand disease type 1; von Willebrand disease type 3; von Willebrand disease type 2. Last evaluated: 2022-04-26. Review status: criteria provided, single submitter. Criteria: ACMG Guidelines, 2015. Collection method: clinical testing. Allele origin: unknown.

Genome-Nilou Lab
Classification: Benign for von Willebrand disease type 1. Last evaluated: 2021-12-05. Review status: criteria provided, single submitter. Criteria: ACMG Guidelines, 2015. Collection method: clinical testing. Allele origin: germline. Affected: no.

Genome-Nilou Lab
Classification: Benign for von Willebrand disease type 3. Last evaluated: 2021-12-05. Review status: criteria provided, single submitter. Criteria: ACMG Guidelines, 2015. Collection method: clinical testing. Allele origin: germline. Affected: no.

Genome-Nilou Lab
Classification: Benign for von Willebrand disease type 2. Last evaluated: 2021-12-05. Review status: criteria provided, single submitter. Criteria: ACMG Guidelines, 2015. Collection method: clinical testing. Allele origin: germline. Affected: no.

Center for Pediatric Genomic Medicine, Children's Mercy Hospital and Clinics
Classification: Benign. Last evaluated: 2017-03-09. Review status: criteria provided, single submitter. Criteria: ACMG Guidelines, 2015. Collection method: clinical testing. Allele origin: germline.

Breakthrough Genomics
Classification: Likely benign. Review status: criteria provided, single submitter. Criteria: ACMG Guidelines, 2015. Collection method: not provided. Allele origin: germline. Inheritance: Autosomal recessive inheritance. Affected: yes.

PreventionGenetics, part of Exact Sciences
Classification: Benign. Review status: criteria provided, single submitter. Criteria: ACMG Guidelines, 2015. Collection method: clinical testing. Allele origin: germline.

Academic Unit of Haematology, University of Sheffield
No classification provided. Review status: no classification provided. Collection method: not provided. Allele origin: not provided. Not counted in ClinVar's aggregate classification.

ISTH-SSC Genomics in Thrombosis and Hemostasis, KU Leuven, Center for Molecular and Vascular Biology
Classification: Likely benign for von Willebrand disorder. Review status: no assertion criteria provided. Collection method: research. Allele origin: unknown. Affected: yes. Not counted in ClinVar's aggregate classification.
Comment: Submitted to GoldVariant by Dr Marie-Christine Morel-Kopp from Northern Blood Research Centre, Sydney, Australia

Literature cited by the submitters: PubMed 23690449 (cited by Quest Diagnostics Nichols Institute San Juan Capistrano); PubMed 23216583 (cited by Quest Diagnostics Nichols Institute San Juan Capistrano); PubMed 23886775 (cited by Quest Diagnostics Nichols Institute San Juan Capistrano); PubMed 25779970 (cited by Quest Diagnostics Nichols Institute San Juan Capistrano); PubMed 23636243 (cited by Quest Diagnostics Nichols Institute San Juan Capistrano); PubMed 8562925 (cited by Quest Diagnostics Nichols Institute San Juan Capistrano); PubMed 22197721 (cited by Quest Diagnostics Nichols Institute San Juan Capistrano).